The following is an entry in ClinVar:

NM_000038.6(APC):c.811A>T (p.Met271Leu)

Gene: APC (APC regulator of Wnt signaling pathway; plus strand). Cytogenetic location: 5q22.2.
Variant type: single nucleotide variant.
Coding change: c.811A>T on transcript NM_000038.6 (MANE Select); coding-DNA position 811, A replaced by T.
Protein change: p.Met271Leu; replaces methionine 271 with leucine.
Molecular consequence: missense variant. On other transcripts: 5 prime UTR variant (1).
Genome position (GRCh38, 1-based): chr5:112,801,360, A>T. VCF-style: chr5-112801360-A-T. GRCh37 (hg19) VCF-style: chr5-112137057-A-T.
Other names: c.811A>T, p.Met271Leu (NM_001127510.3, NM_001354895.2, NM_001354896.2 and 1 more transcripts); c.757A>T, p.Met253Leu (NM_001127511.3); c.841A>T, p.Met281Leu (NM_001354897.2, NM_001354902.2); c.736A>T, p.Met246Leu (NM_001354898.2, NM_001354904.2); c.727A>T, p.Met243Leu (NM_001354899.2); c.634A>T, p.Met212Leu (NM_001354900.2, NM_001354901.2, NM_001354905.2); c.-225A>T (NM_001354906.2); short protein forms M253L, M271L, M212L, M243L, M246L, M281L.
Identifiers: ClinVar variation 482436 (VCV000482436.21), dbSNP rs587781464, ClinGen allele CA16023103.

ClinVar aggregate classification (germline): Uncertain significance. Review status: criteria provided, multiple submitters, no conflicts (2 of 4 stars). 5 submissions from 5 submitters: Uncertain significance (5). Last evaluated 2025-12-24.

Conditions:
Familial adenomatous polyposis 1 (FAP1). Also called: FAMILIAL ADENOMATOUS POLYPOSIS 1, ATTENUATED; POLYPOSIS, ADENOMATOUS INTESTINAL. Identifiers: MedGen C2713442, MONDO:0021056, OMIM 175100. Disease mechanism: loss of function.
Hereditary cancer-predisposing syndrome. Also called: Neoplastic Syndromes, Hereditary; Tumor predisposition; Hereditary Cancer Syndrome; Hereditary neoplastic syndrome. Identifiers: Orphanet 140162, MedGen C0027672, MeSH D009386, MONDO:0015356.

gnomAD v4.1: 1 of 1,611,598 alleles (0.000062%); highest among the groups gnomAD compares: Admixed American, 0.0017%; no homozygotes.

Submissions (5):

Labcorp Genetics (formerly Invitae), Labcorp
Classification: Uncertain significance for Familial adenomatous polyposis 1. Last evaluated: 2025-12-24. Review status: criteria provided, single submitter. Criteria: Invitae Variant Classification Sherloc (09022015). Collection method: clinical testing. Allele origin: germline.
Comment: This sequence change replaces methionine, which is neutral and non-polar, with leucine, which is neutral and non-polar, at codon 271 of the APC protein (p.Met271Leu). This variant is present in population databases (no rsID available, gnomAD 0.003%). This variant has not been reported in the literature in individuals affected with APC-related conditions. ClinVar contains an entry for this variant (Variation ID: 482436). Invitae Evidence Modeling of protein sequence and biophysical properties (such as structural, functional, and spatial information, amino acid conservation, physicochemical variation, residue mobility, and thermodynamic stability) indicates that this missense variant is not expected to disrupt APC protein function with a negative predictive value of 95%. In summary, the available evidence is currently insufficient to determine the role of this variant in disease. Therefore, it has been classified as a Variant of Uncertain Significance.

Ambry Genetics
Classification: Uncertain significance for Hereditary cancer-predisposing syndrome. Last evaluated: 2025-10-14. Review status: criteria provided, single submitter. Criteria: Ambry Variant Classification Scheme 2023. Collection method: clinical testing. Allele origin: germline.
Comment: The p.M271L variant (also known as c.811A>T), located in coding exon 7 of the APC gene, results from an A to T substitution at nucleotide position 811. The methionine at codon 271 is replaced by leucine, an amino acid with highly similar properties. This amino acid position is not well conserved in available vertebrate species. In addition, in silico predictors for this gene do not accurately predict pathogenicity. Since supporting evidence is limited at this time, the clinical significance of this alteration remains unclear.

Quest Diagnostics Nichols Institute San Juan Capistrano
Classification: Uncertain significance. Last evaluated: 2023-03-20. Review status: criteria provided, single submitter. Criteria: Quest Diagnostics criteria. Collection method: clinical testing. Allele origin: unknown.
Comment: To the best of our knowledge, the variant has not been reported in the published literature. The frequency of this variant in the general population, 0.000004 (1/251044 chromosomes), is uninformative in assessment of its pathogenicity. Analysis of this variant using bioinformatics tools for the prediction of the effect of amino acid changes on protein structure and function yielded predictions that this variant is benign. Based on the available information, we are unable to determine the clinical significance of this variant.

Color Diagnostics, LLC DBA Color Health
Classification: Uncertain significance for Hereditary cancer-predisposing syndrome. Last evaluated: 2019-02-23. Review status: criteria provided, single submitter. Criteria: ACMG Guidelines, 2015. Collection method: clinical testing. Allele origin: germline.

Laboratory for Molecular Medicine, Mass General Brigham Personalized Medicine
Classification: Uncertain significance. Last evaluated: 2017-01-12. Review status: criteria provided, single submitter. Criteria: LMM Criteria. Collection method: clinical testing. Allele origin: germline. Observed: 2 variant alleles.
Comment: The p.Met271Leu variant in APC has not been reported in the literature in indivi duals with APC-associated polyposis but has been reported by other clinical labo ratories in ClinVar (Variation ID: 482436). This variant was absent from large p opulation studies. Computational prediction tools and conservation analysis sugg est that the p.Met271Leu variant may not impact the protein. In summary, the cli nical significance of the p.Met271Leu variant is uncertain. ACMG/AMP Criteria ap plied: PM2, BP4.